The following is an entry in ClinVar:

NM_001134407.3(GRIN2A):c.*4304T>C

Gene: GRIN2A (glutamate ionotropic receptor NMDA type subunit 2A; minus strand). Cytogenetic location: 16p13.2.
Variant type: single nucleotide variant.
Coding change: c.*4304T>C on transcript NM_001134407.3 (MANE Select); 4304 bases downstream of the stop codon, T replaced by C.
Molecular consequence: 3 prime UTR variant.
Genome position (GRCh38, 1-based): chr16:9,758,845, A>G on the plus strand (T>C on the coding strand, the complement: GRIN2A is on the minus strand). VCF-style: chr16-9758845-A-G. GRCh37 (hg19) VCF-style: chr16-9852702-A-G.
Other names: c.*4304T>C (NM_000833.5); c.*4510T>C (NM_001134408.2).
Identifiers: ClinVar variation 321541 (VCV000321541.5), dbSNP rs79079877, ClinGen allele CA10649421.
Genomic context (GRCh38, chr16:9,758,845, plus strand): 5'-AACTTTTCAAGTATAGACCCCACAGCACTTTCAACCCTGTTCACCAAAAAGAGATGGGGT[A>G]TCTGGAAAGGTCTAATTTTGTCTCCAGTGAAAATAAACAGTACTTTTGGAAGGAAAATTG-3'

ClinVar aggregate classification (germline): Benign (1 of 4 stars; one submission).

Conditions:
Landau-Kleffner syndrome (FESD). Also called: EPILEPSY, FOCAL, WITH SPEECH DISORDER AND WITH OR WITHOUT MENTAL RETARDATION; APHASIA, ACQUIRED, WITH EPILEPSY. Identifiers: Orphanet 1945, Orphanet 725, Orphanet 98818, MedGen C0282512, MONDO:0009509, OMIM 245570.

Allele frequency attached by ClinVar (database versions not stated): 1000 Genomes Project 30x 0.00234; gnomAD exomes 0.00672; TOPMed 0.00584; 1000 Genomes Project 0.00240.
gnomAD v4.1: 1,469 of 216,116 alleles (0.68%); highest among the groups gnomAD compares: Non-Finnish European, 1%; 8 homozygotes.

Submission:

Illumina Laboratory Services, Illumina
Classification: Benign for Landau-Kleffner syndrome. Last evaluated: 2018-01-13. Review status: criteria provided, single submitter. Criteria: ICSL Variant Classification Criteria 13 December 2019. Collection method: clinical testing. Allele origin: germline.
Comment: This variant was observed in the ICSL laboratory as part of a predisposition screen in an ostensibly healthy population. It had not been previously curated by ICSL or reported in the Human Gene Mutation Database (HGMD: prior to June 1st, 2018), and was therefore a candidate for classification through an automated scoring system. Utilizing variant allele frequency, disease prevalence and penetrance estimates, and inheritance mode, an automated score was calculated to assess if this variant is too frequent to cause the disease. Based on the score and internal cut-off values, a variant classified as benign is not then subjected to further curation. The score for this variant resulted in a classification of benign for this disease.